The following is an entry in ClinVar:

NM_001160372.4(TRAPPC9):c.2108T>C (p.Leu703Pro)

Gene: TRAPPC9 (trafficking protein particle complex subunit 9; minus strand). Cytogenetic location: 8q24.3.
Variant type: single nucleotide variant.
Coding change: c.2108T>C on transcript NM_001160372.4 (MANE Select); coding-DNA position 2108, T replaced by C.
Protein change: p.Leu703Pro; replaces leucine 703 with proline.
Molecular consequence: missense variant. On other transcripts: non-coding transcript variant (1).
Genome position (GRCh38, 1-based): chr8:140,283,895, A>G on the plus strand (T>C on the coding strand, the complement: TRAPPC9 is on the minus strand). VCF-style: chr8-140283895-A-G. GRCh37 (hg19) VCF-style: chr8-141293994-A-G.
Other names: c.2108T>C, p.Leu703Pro (NM_031466.8, NM_001374683.1); c.2081T>C, p.Leu694Pro (NM_001321646.2); c.2129T>C, p.Leu710Pro (NM_001374682.1); c.1964T>C, p.Leu655Pro (NM_001374684.1); short protein forms L655P, L694P, L710P, L703P.
Identifiers: ClinVar variation 2001966 (VCV002001966.4), dbSNP rs2539464645, ClinGen allele CA372315008.
Genomic context (GRCh38, chr8:140,283,895, plus strand): 5'-GACCAAAAATGATGCCTCAGAGCCACTCTGCTCTGTGACCCTCGTGCACACTACCTGGGC[A>G]GAGAGGTGCTGATCTGCAGTCTTGGCAACGCGGGAATGACTTCCACTGTGGAGCCACTGG-3'
Protein context (NP_001153844.1, residues 693-713): ALPRLQISTS[Leu703Pro]PRSAHSLQPS

ClinVar aggregate classification (germline): Uncertain significance (1 of 4 stars; one submission).

Allele frequency attached by ClinVar (database versions not stated): gnomAD exomes below 0.00001.
gnomAD v4.1: 1 of 1,613,844 alleles (0.000062%); highest among the groups gnomAD compares: South Asian, 0.0011%; no homozygotes.

Submission:

Labcorp Genetics (formerly Invitae), Labcorp
Classification: Uncertain significance. Last evaluated: 2023-08-04. Review status: criteria provided, single submitter. Criteria: Invitae Variant Classification Sherloc (09022015). Collection method: clinical testing. Allele origin: germline.
Comment: ClinVar contains an entry for this variant (Variation ID: 2001966). In summary, the available evidence is currently insufficient to determine the role of this variant in disease. Therefore, it has been classified as a Variant of Uncertain Significance. An algorithm developed to predict the effect of missense changes on protein structure and function (PolyPhen-2) suggests that this variant is likely to be disruptive. This variant has not been reported in the literature in individuals affected with TRAPPC9-related conditions. This variant is not present in population databases (gnomAD no frequency). This sequence change replaces leucine, which is neutral and non-polar, with proline, which is neutral and non-polar, at codon 801 of the TRAPPC9 protein (p.Leu801Pro).